The following is an entry in ClinVar:

NM_003640.5(ELP1):c.2071G>A (p.Val691Met)

Gene: ELP1 (elongator acetyltransferase complex subunit 1; minus strand). Cytogenetic location: 9q31.3.
Variant type: single nucleotide variant.
Coding change: c.2071G>A on transcript NM_003640.5 (MANE Select); coding-DNA position 2071, G replaced by A.
Protein change: p.Val691Met; replaces valine 691 with methionine.
Molecular consequence: missense variant.
Genome position (GRCh38, 1-based): chr9:108,900,319, C>T on the plus strand (G>A on the coding strand, the complement: ELP1 is on the minus strand). VCF-style: chr9-108900319-C-T. GRCh37 (hg19) VCF-style: chr9-111662599-C-T.
Other names: c.1729G>A, p.Val577Met (NM_001318360.2); c.1024G>A, p.Val342Met (NM_001330749.2); short protein forms V342M, V577M, V691M.
Identifiers: ClinVar variation 4870377 (VCV004870377.1).

ClinVar aggregate classification (germline): Uncertain significance (1 of 4 stars; one submission).

gnomAD v4.1: 6 of 1,614,222 alleles (0.00037%); highest among the groups gnomAD compares: Non-Finnish European, 0.00051%; no homozygotes.

Submission:

Ambry Genetics
Classification: Uncertain significance. Last evaluated: 2026-03-30. Review status: criteria provided, single submitter. Criteria: Ambry Variant Classification Scheme 2023. Collection method: clinical testing. Allele origin: germline.
Comment: The p.V691M variant (also known as c.2071G>A), located in coding exon 18 of the IKBKAP gene, results from a G to A substitution at nucleotide position 2071. The valine at codon 691 is replaced by methionine, an amino acid with highly similar properties. This amino acid position is conserved. In addition, the in silico prediction for this alteration is inconclusive. Based on the available evidence, the clinical significance of this variant remains unclear.